The following is an entry in ClinVar:

NM_000057.4(BLM):c.3229G>A (p.Val1077Met)

Gene: BLM (BLM RecQ like helicase; plus strand). Cytogenetic location: 15q26.1.
Variant type: single nucleotide variant.
Coding change: c.3229G>A on transcript NM_000057.4 (MANE Select); coding-DNA position 3229, G replaced by A.
Protein change: p.Val1077Met; replaces valine 1077 with methionine.
Molecular consequence: missense variant.
Genome position (GRCh38, 1-based): chr15:90,798,208, G>A. VCF-style: chr15-90798208-G-A. GRCh37 (hg19) VCF-style: chr15-91341438-G-A.
Other names: c.3229G>A, p.Val1077Met (NM_001287246.2, NM_001287247.2); c.2104G>A, p.Val702Met (NM_001287248.2); c.3229G>A (NM_000057.2); short protein forms V1077M, V702M.
Identifiers: ClinVar variation 454131 (VCV000454131.19), dbSNP rs779096973, ClinGen allele CA7738967.

ClinVar aggregate classification (germline): Uncertain significance. Review status: criteria provided, multiple submitters, no conflicts (2 of 4 stars). 8 submissions from 8 submitters: Uncertain significance (6). 2 of the submissions do not count toward it. Last evaluated 2026-01-25.

Conditions:
Ovarian cancer. Also called: OVARIAN CANCER, SOMATIC. Identifiers: Orphanet 213500, MedGen C1140680, MONDO:0008170, OMIM 167000.
Hereditary cancer-predisposing syndrome. Also called: Hereditary Cancer Syndrome; Hereditary neoplastic syndrome; Neoplastic Syndromes, Hereditary; Tumor predisposition. Identifiers: Orphanet 140162, MedGen C0027672, MeSH D009386, MONDO:0015356.
Bloom syndrome (BLM). Also called: Bloom-Torre-Machacek syndrome. Identifiers: Orphanet 125, MedGen C0005859, MONDO:0008876, OMIM 210900.

Allele frequency attached by ClinVar (database versions not stated): ExAC 0.00001; gnomAD exomes 0.00001 and 0.00003; gnomAD 0.00005; TOPMed 0.00005.
gnomAD v4.1: 16 of 1,607,498 alleles (0.001%); highest among the groups gnomAD compares: East Asian, 0.034%; no homozygotes.

Submissions (8):

Labcorp Genetics (formerly Invitae), Labcorp
Classification: Uncertain significance for Bloom syndrome. Last evaluated: 2026-01-25. Review status: criteria provided, single submitter. Criteria: Invitae Variant Classification Sherloc (09022015). Collection method: clinical testing. Allele origin: germline.
Comment: This sequence change replaces valine, which is neutral and non-polar, with methionine, which is neutral and non-polar, at codon 1077 of the BLM protein (p.Val1077Met). This variant is present in population databases (rs779096973, gnomAD 0.06%). This variant has not been reported in the literature in individuals affected with BLM-related conditions. ClinVar contains an entry for this variant (Variation ID: 454131). Invitae Evidence Modeling of protein sequence and biophysical properties (such as structural, functional, and spatial information, amino acid conservation, physicochemical variation, residue mobility, and thermodynamic stability) indicates that this missense variant is not expected to disrupt BLM protein function with a negative predictive value of 80%. In summary, the available evidence is currently insufficient to determine the role of this variant in disease. Therefore, it has been classified as a Variant of Uncertain Significance.

Women's Health and Genetics/Laboratory Corporation of America, LabCorp
Classification: Uncertain significance. Last evaluated: 2025-09-04. Review status: criteria provided, single submitter. Criteria: LabCorp Variant Classification Summary - May 2015. Collection method: clinical testing. Allele origin: germline.
Comment: Variant summary: BLM c.3229G>A (p.Val1077Met) results in a conservative amino acid change in the encoded protein sequence. Algorithms developed to predict the effect of missense changes on protein structure and function are either unavailable or do not agree on the potential impact of this missense change. The variant allele was found at a frequency of 3.2e-05 in 250180 control chromosomes. The available data on variant occurrences in the general population are insufficient to allow any conclusion about variant significance. To our knowledge, no occurrence of c.3229G>A in individuals affected with BLM-related conditions and no experimental evidence demonstrating its impact on protein function have been reported. ClinVar contains an entry for this variant (Variation ID: 454131). Based on the evidence outlined above, the variant was classified as uncertain significance.

Ambry Genetics
Classification: Uncertain significance for Hereditary cancer-predisposing syndrome. Last evaluated: 2024-09-26. Review status: criteria provided, single submitter. Criteria: Ambry Variant Classification Scheme 2023. Collection method: clinical testing. Allele origin: germline.
Comment: The p.V1077M variant (also known as c.3229G>A), located in coding exon 16 of the BLM gene, results from a G to A substitution at nucleotide position 3229. This variant was identified in 1/432 unselected Chinese ovarian cancer patients who underwent multi-gene panel testing (Fu K et al. Sci Rep, 2024 Mar;14:6702). The valine at codon 1077 is replaced by methionine, an amino acid with highly similar properties. This amino acid position is highly conserved in available vertebrate species. In addition, the in silico prediction for this alteration is inconclusive. Based on the available evidence, the clinical significance of this variant remains unclear.

Quest Diagnostics Nichols Institute San Juan Capistrano
Classification: Uncertain significance. Last evaluated: 2024-04-04. Review status: criteria provided, single submitter. Criteria: Quest Diagnostics criteria. Collection method: clinical testing. Allele origin: unknown.
Comment: The BLM c.3229G>A (p.Val1077Met) variant has been reported in the published literature in an individual with ovarian cancer (PMID: 38509102 (2024)). The frequency of this variant in the general population, 0.0006 (12/19946 chromosomes (Genome Aggregation Database)), is uninformative in the assessment of its pathogenicity. Analysis of this variant using bioinformatics tools for the prediction of the effect of amino acid changes on protein structure and function yielded conflicting predictions that this variant is benign or damaging. Based on the available information, we are unable to determine the clinical significance of this variant.

Fulgent Genetics
Classification: Uncertain significance for Bloom syndrome. Last evaluated: 2024-01-03. Review status: criteria provided, single submitter. Criteria: ACMG Guidelines, 2015. Collection method: clinical testing. Allele origin: germline.

Sema4
Classification: Uncertain significance for Hereditary cancer-predisposing syndrome. Last evaluated: 2021-08-12. Review status: criteria provided, single submitter. Criteria: Sema4 Curation Guidelines. Collection method: curation. Allele origin: germline.
Comment: The BLM c.3229G>A (p.Y1077M) variant has not been reported in the literature to our knowledge. It was observed in 12/19946 chromosomes of the East Asian subpopulation, with no homozygotes, in the large and broad cohorts of the Genome Aggregation Database (PMID: 32461654). The variant has been reported in ClinVar (Variation ID 454131). Functional studies have not been performed, and in silico predictions of the variant's effect on protein function are inconclusive. The evidence is insufficient to meet ACMG/AMP criteria for classifying the variant as benign or pathogenic. Thus, the clinical significance of this variant is currently uncertain.

Natera, Inc.
Classification: Uncertain significance for Bloom syndrome. Last evaluated: 2018-05-21. Review status: no assertion criteria provided. Collection method: clinical testing. Allele origin: germline. Not counted in ClinVar's aggregate classification.

Laboratory of Molecular Epidemiology of Birth Defects, West China Second University Hospital, Sichuan University
Classification: Likely pathogenic for Ovarian cancer. Last evaluated: 2022-01-01. Review status: flagged submission. Criteria: ACMG Guidelines, 2015. Collection method: clinical testing. Allele origin: germline. Affected: yes. Not counted in ClinVar's aggregate classification.
ClinVar note: Reason: Outlier claim with insufficient supporting evidence

Literature cited by the submitters: PubMed 38509102 (cited by Ambry Genetics and Quest Diagnostics Nichols Institute San Juan Capistrano).